The following is an entry in ClinVar:

NM_016507.4(CDK12):c.1493A>G (p.Gln498Arg)

Gene: CDK12 (cyclin dependent kinase 12; plus strand). Cytogenetic location: 17q12.
Variant type: single nucleotide variant.
Coding change: c.1493A>G on transcript NM_016507.4 (MANE Select); coding-DNA position 1493, A replaced by G.
Protein change: p.Gln498Arg; replaces glutamine 498 with arginine.
Molecular consequence: missense variant.
Genome position (GRCh38, 1-based): chr17:39,471,325, A>G. VCF-style: chr17-39471325-A-G. GRCh37 (hg19) VCF-style: chr17-37627578-A-G.
Other names: c.1493A>G, p.Gln498Arg (NM_015083.4); short protein forms Q498R.
Identifiers: ClinVar variation 3999505 (VCV003999505.1).

ClinVar aggregate classification (germline): Uncertain significance (1 of 4 stars; one submission).

gnomAD v4.1: 5 of 1,613,596 alleles (0.00031%); highest among the groups gnomAD compares: Non-Finnish European, 0.00034%; no homozygotes.

Submission:

Ambry Genetics
Classification: Uncertain significance. Last evaluated: 2025-05-27. Review status: criteria provided, single submitter. Criteria: Ambry Variant Classification Scheme 2023. Collection method: clinical testing. Allele origin: germline.
Comment: The p.Q498R variant (also known as c.1493A>G), located in coding exon 2 of the CDK12 gene, results from an A to G substitution at nucleotide position 1493. The glutamine at codon 498 is replaced by arginine, an amino acid with highly similar properties. This amino acid position is conserved. In addition, this alteration is predicted to be tolerated by in silico analysis. Based on the available evidence, the clinical significance of this variant remains unclear.